The following is an entry in ClinVar:

NM_002878.4(RAD51D):c.669C>G (p.Gly223=)

Genes: RAD51D (RAD51 paralog D; minus strand), RAD51L3-RFFL (RAD51L3-RFFL readthrough; minus strand). Cytogenetic location: 17q12.
Variant type: single nucleotide variant.
Coding change: c.669C>G on transcript NM_002878.4 (MANE Select); coding-DNA position 669, C replaced by G.
Protein change: p.Gly223=; no amino-acid change (glycine 223 retained).
Molecular consequence: synonymous variant. On other transcripts: non-coding transcript variant (3).
Genome position (GRCh38, 1-based): chr17:35,103,323, G>C on the plus strand (C>G on the coding strand, the complement: RAD51D is on the minus strand). VCF-style: chr17-35103323-G-C. GRCh37 (hg19) VCF-style: chr17-33430342-G-C.
Other names: c.729C>G, p.Gly243= (NM_001142571.2); c.333C>G, p.Gly111= (NM_133629.3).
Identifiers: ClinVar variation 627987 (VCV000627987.15), dbSNP rs1567726315, ClinGen allele CA499730587.

ClinVar aggregate classification (germline): Conflicting classifications of pathogenicity. Review status: criteria provided, conflicting classifications (1 of 4 stars). 5 submissions from 5 submitters: Uncertain significance (1); Benign (1); Likely benign (3). Last evaluated 2025-02-24.

Conditions:
Breast-ovarian cancer, familial, susceptibility to, 4. Identifiers: Orphanet 145, MedGen C3280345, MONDO:0013669, OMIM 614291.
Hereditary cancer-predisposing syndrome. Also called: Neoplastic Syndromes, Hereditary; Tumor predisposition; Hereditary neoplastic syndrome; Hereditary Cancer Syndrome. Identifiers: Orphanet 140162, MedGen C0027672, MeSH D009386, MONDO:0015356.

Allele frequency attached by ClinVar (database versions not stated): gnomAD exomes 0.00001.
gnomAD v4.1: 3 of 1,612,342 alleles (0.00019%); highest among the groups gnomAD compares: East Asian, 0.0067%; no homozygotes.

Submissions (5):

Myriad Genetics, Inc.
Classification: Benign for Breast-ovarian cancer, familial, susceptibility to, 4. Last evaluated: 2025-02-24. Review status: criteria provided, single submitter. Criteria: Myriad Autosomal Dominant, Autosomal Recessive and X-Linked Classification Criteria (2023). Collection method: clinical testing. Allele origin: unknown.
Comment: This variant is considered benign. This variant is a silent/synonymous amino acid change and it is not expected to impact splicing.

Labcorp Genetics (formerly Invitae), Labcorp
Classification: Likely benign for Breast-ovarian cancer, familial, susceptibility to, 4. Last evaluated: 2023-05-01. Review status: criteria provided, single submitter. Criteria: Invitae Variant Classification Sherloc (09022015). Collection method: clinical testing. Allele origin: germline.

Women's Health and Genetics/Laboratory Corporation of America, LabCorp
Classification: Uncertain significance. Last evaluated: 2019-11-08. Review status: criteria provided, single submitter. Criteria: LabCorp Variant Classification Summary - May 2015. Collection method: clinical testing. Allele origin: germline.
Comment: Variant summary: RAD51D c.669C>G (p.Gly223Gly) alters a non-conserved nucleotide located close to a canonical splice site and therefore could affect mRNA splicing, leading to a significantly altered protein sequence. 5/5 computational tools predict no significant impact on normal splicing. However, these predictions have yet to be confirmed by functional studies. The variant was absent in 246376 control chromosomes (gnomAD). The available data on variant occurrences in the general population are insufficient to allow any conclusion about variant significance. To our knowledge, no occurrence of c.669C>G in individuals affected with Hereditary Breast and Ovarian Cancer and no experimental evidence demonstrating its impact on protein function have been reported. One ClinVar submitter (evaluation after 2014) cites the variant as likely benign. Based on the evidence outlined above, the variant was classified as VUS-possibly benign.

Ambry Genetics
Classification: Likely benign for Hereditary cancer-predisposing syndrome. Last evaluated: 2019-08-23. Review status: criteria provided, single submitter. Criteria: Ambry Variant Classification Scheme 2023. Collection method: clinical testing. Allele origin: germline.

Color Diagnostics, LLC DBA Color Health
Classification: Likely benign for Hereditary cancer-predisposing syndrome. Last evaluated: 2018-03-12. Review status: criteria provided, single submitter. Criteria: ACMG Guidelines, 2015. Collection method: clinical testing. Allele origin: germline.